The following is an entry in ClinVar:

NM_001387430.1(SH2B1):c.2010A>G (p.Ala670=)

Gene: SH2B1 (SH2B adaptor protein 1; plus strand). Cytogenetic location: 16p11.2.
Variant type: single nucleotide variant.
Coding change: c.2010A>G on transcript NM_001387430.1 (MANE Select); coding-DNA position 2010, A replaced by G.
Protein change: p.Ala670=; no amino-acid change (alanine 670 retained).
Molecular consequence: synonymous variant. On other transcripts: 3 prime UTR variant (5).
Genome position (GRCh38, 1-based): chr16:28,873,559, A>G. VCF-style: chr16-28873559-A-G. GRCh37 (hg19) VCF-style: chr16-28884880-A-G.
Other names: c.2010A>G, p.Ala670= (NM_001145795.2, NM_001308293.2, NM_001387404.1); c.*94A>G (NM_001145796.2, NM_001145812.2, NM_001308294.2 and 1 more transcripts); c.*111A>G (NM_001145797.2).
Identifiers: ClinVar variation 3031810 (VCV003031810.2), dbSNP rs755758434, ClinGen allele CA7986428.
Genomic context (GRCh38, chr16:28,873,559, plus strand): 5'-AGATCCCCCACAGCCTGGGGCAGAAGAGGCGTCGAGGGCGCCAGAAGTGGCGGCAGCAGC[A>G]GCCGCAGCAGCCAAAGAGAGGCAAGAGAAAGAGAAAGCGGGCGGTGGAGGGGTCCCGGAA-3'
Protein context (NP_001374359.1, residues 660-680): ASRAPEVAAA[Ala670=]AAAAKERQEK

ClinVar aggregate classification (germline): Likely benign (0 of 4 stars; one submission).

Conditions:
SH2B1-related disorder. Also called: SH2B1-related condition.

Allele frequency attached by ClinVar (database versions not stated): gnomAD 0.00001; gnomAD exomes 0.00002; TOPMed 0.00002; ExAC 0.00003.

Submission:

PreventionGenetics, part of Exact Sciences
Classification: Likely benign for SH2B1-related condition. Last evaluated: 2021-09-16. Review status: no assertion criteria provided. Collection method: clinical testing. Allele origin: germline.
Comment: This variant is classified as likely benign based on ACMG/AMP sequence variant interpretation guidelines (Richards et al. 2015 PMID: 25741868, with internal and published modifications).